The following is an entry in ClinVar:

ClinVar aggregate classification (germline): Uncertain significance (1 of 4 stars; one submission).

Conditions:
Spastic paraplegia. Identifiers: MedGen C0037772, HP:0001258.

Submission:

Labcorp Genetics (formerly Invitae), Labcorp
Classification: Uncertain significance for Spastic paraplegia. Last evaluated: 2025-02-24. Review status: criteria provided, single submitter. Criteria: Invitae Variant Classification Sherloc (09022015). Collection method: clinical testing. Allele origin: germline.
Comment: This sequence change replaces isoleucine, which is neutral and non-polar, with threonine, which is neutral and polar, at codon 4509 of the SACS protein (p.Ile4509Thr). This variant is not present in population databases (gnomAD no frequency). This variant has not been reported in the literature in individuals affected with SACS-related conditions. ClinVar contains an entry for this variant (Variation ID: 2415067). Invitae Evidence Modeling of protein sequence and biophysical properties (such as structural, functional, and spatial information, amino acid conservation, physicochemical variation, residue mobility, and thermodynamic stability) indicates that this missense variant is not expected to disrupt SACS protein function with a negative predictive value of 95%. In summary, the available evidence is currently insufficient to determine the role of this variant in disease. Therefore, it has been classified as a Variant of Uncertain Significance.

NM_014363.6(SACS):c.13526T>C (p.Ile4509Thr)

Gene: SACS (sacsin molecular chaperone; minus strand). Cytogenetic location: 13q12.12.
Variant type: single nucleotide variant.
Coding change: c.13526T>C on transcript NM_014363.6 (MANE Select); coding-DNA position 13526, T replaced by C.
Protein change: p.Ile4509Thr; replaces isoleucine 4509 with threonine.
Molecular consequence: missense variant.
Genome position (GRCh38, 1-based): chr13:23,330,350, A>G on the plus strand (T>C on the coding strand, the complement: SACS is on the minus strand). VCF-style: chr13-23330350-A-G. GRCh37 (hg19) VCF-style: chr13-23904489-A-G.
Other names: c.13085T>C, p.Ile4362Thr (NM_001278055.2); short protein forms I4362T, I4509T.
Identifiers: ClinVar variation 2415067 (VCV002415067.6), dbSNP rs2542136461, ClinGen allele CA387505065.